The following is an entry in ClinVar:

ClinVar aggregate classification (germline): Likely benign. Review status: criteria provided, single submitter (1 of 4 stars). 2 submissions from 2 submitters: Likely benign (1). 1 of the submissions does not count toward it. Last evaluated 2026-01-25.

Conditions:
TMPRSS15-related disorder. Also called: TMPRSS15-related condition.

Allele frequency attached by ClinVar (database versions not stated): 1000 Genomes Project 30x 0.00109; 1000 Genomes Project 0.00120; ExAC 0.00129; gnomAD 0.00140; TOPMed 0.00212; ESP Exome Variant Server 0.00223.
gnomAD v4.1: 2,679 of 1,611,746 alleles (0.17%); highest among the groups gnomAD compares: Middle Eastern, 0.79%; 10 homozygotes.

Submissions (2):

Labcorp Genetics (formerly Invitae), Labcorp
Classification: Likely benign. Last evaluated: 2026-01-25. Review status: criteria provided, single submitter. Criteria: Invitae Variant Classification Sherloc (09022015). Collection method: clinical testing. Allele origin: germline.

PreventionGenetics, part of Exact Sciences
Classification: Likely benign for TMPRSS15-related condition. Last evaluated: 2022-02-16. Review status: no assertion criteria provided. Collection method: clinical testing. Allele origin: germline. Not counted in ClinVar's aggregate classification.
Comment: This variant is classified as likely benign based on ACMG/AMP sequence variant interpretation guidelines (Richards et al. 2015 PMID: 25741868, with internal and published modifications).

NM_002772.3(TMPRSS15):c.935C>T (p.Thr312Ile)

Gene: TMPRSS15 (transmembrane serine protease 15; minus strand). Cytogenetic location: 21q21.1.
Variant type: single nucleotide variant.
Coding change: c.935C>T on transcript NM_002772.3 (MANE Select); coding-DNA position 935, C replaced by T.
Protein change: p.Thr312Ile; replaces threonine 312 with isoleucine.
Molecular consequence: missense variant.
Genome position (GRCh38, 1-based): chr21:18,353,809, G>A on the plus strand (C>T on the coding strand, the complement: TMPRSS15 is on the minus strand). VCF-style: chr21-18353809-G-A. GRCh37 (hg19) VCF-style: chr21-19726126-G-A.
Other names: c.935C>T (NM_002772.2); short protein forms T312I.
Identifiers: ClinVar variation 2046461 (VCV002046461.6), dbSNP rs149710792, ClinGen allele CA9984609.
Genomic context (GRCh38, chr21:18,353,809, plus strand): 5'-GTATATGTTGCATTAAAGCCAACATAATCACTTTCATCAGATTCTATAAGAAAGGTGGCA[G>A]TAACTTGGTTGGAAAAAATTCTTATTGTGCCAGGATTAGTTTCCCAAATAGAAGCTACAA-3'
Protein context (NP_002763.3, residues 302-322): GTIRIFSNQV[Thr312Ile]ATFLIESDES